The following is an entry in ClinVar:

ClinVar aggregate classification (germline): Pathogenic (1 of 4 stars; one submission).

Submission:

Labcorp Genetics (formerly Invitae), Labcorp
Classification: Pathogenic. Last evaluated: 2025-12-23. Review status: criteria provided, single submitter. Criteria: Invitae Variant Classification Sherloc (09022015). Collection method: clinical testing. Allele origin: germline.
Comment: This sequence change creates a premature translational stop signal (p.Pro113Argfs*6) in the LTBP4 gene. It is expected to result in an absent or disrupted protein product. Loss-of-function variants in LTBP4 are known to be pathogenic (PMID: 19836010, 22829427). This variant is not present in population databases (gnomAD no frequency). This variant has not been reported in the literature in individuals affected with LTBP4-related conditions. For these reasons, this variant has been classified as Pathogenic.

Literature cited by the submitters: PubMed 19836010; PubMed 22829427.

NM_003573.2(LTBP4):c.338del (p.Pro113fs)

Gene: LTBP4 (latent transforming growth factor beta binding protein 4; plus strand). Cytogenetic location: 19q13.2.
Variant type: Deletion.
Coding change: c.338del on transcript NM_003573.2; coding-DNA position 338, one base deleted (C; older notation c.338delC).
Protein change: p.Pro113fs; shifts the reading frame from proline 113.
Molecular consequence: frameshift variant.
Genome position (GRCh38, 1-based): chr19:40,600,175, C deleted; the last of 4 consecutive C bases (chr19:40,600,172-40,600,175); deleting any one gives the same sequence. VCF-style (leftmost placement, unchanged base first): chr19-40600171-GC-G. GRCh37 (hg19) VCF-style: chr19-41106077-GC-G.
Other names: c.449del, p.Pro150fs (NM_001042544.1); short protein forms P113fs, P150fs.
Identifiers: ClinVar variation 4734000 (VCV004734000.1).
Genomic context (GRCh38, chr19:40,600,171, plus strand): 5'-GGGCCAGGGGGCCGGGGACTACTGAGAAGGAGGCCCCCACAGCGTGCCCCCGCTGGCAAG[GC>G]CCCGGGTAAGCACATCCGCCTTTCCTCCGCCTGGGGCGAGGGGGGTTCCGGGCCAGATAA-3'